The following is an entry in ClinVar:

ClinVar aggregate classification (germline): Pathogenic. Review status: criteria provided, multiple submitters, no conflicts (2 of 4 stars). 2 submissions from 2 submitters: Pathogenic (2). Last evaluated 2019-12-26.

Conditions:
Neurofibromatosis, type 1 (NF1). Also called: Peripheral type neurofibromatosis; Neurofibromatosis, type I; VON RECKLINGHAUSEN DISEASE; NEUROFIBROMATOSIS, TYPE I, SOMATIC. Identifiers: Orphanet 636, MedGen C0027831, MONDO:0018975, OMIM 162200. Disease mechanism: loss of function.

Submissions (3):

Labcorp Genetics (formerly Invitae), Labcorp
Classification: Pathogenic for Neurofibromatosis, type 1. Last evaluated: 2019-12-26. Review status: criteria provided, single submitter. Criteria: Invitae Variant Classification Sherloc (09022015). Collection method: clinical testing. Allele origin: germline.
Comment: This sequence change affects an acceptor splice site in intron 43 of the NF1 gene. It is expected to disrupt RNA splicing and likely results in an absent or disrupted protein product. This variant is not present in population databases (ExAC no frequency). For these reasons, this variant has been classified as Pathogenic. Donor and acceptor splice site variants typically lead to a loss of protein function (PMID: 16199547), and loss-of-function variants in NF1 are known to be pathogenic (PMID: 10712197, 23913538). Algorithms developed to predict the effect of sequence changes on RNA splicing suggest that this variant may disrupt the consensus splice site, but this prediction has not been confirmed by published transcriptional studies. This variant has been observed in individual(s) with neurofibromatosis type 1 (PMID: 10712197, Invitae).

Neuberg Centre For Genomic Medicine, NCGM
Classification: Pathogenic for Neurofibromatosis, type 1. Review status: criteria provided, single submitter. Criteria: ACMG Guidelines, 2015. Collection method: clinical testing. Allele origin: germline. Inheritance: Autosomal dominant inheritance. Affected: yes.
Comment: The c.6705-1G>T splice acceptor variant in NF1 gene has been reported in individual(s) with neurofibromatosis type 1 (Fahsold et al., 2000). The c.6705-1G>T variant is novel (not in any individuals) in gnomAD Exomes and 1000 Genomes. This variant has been reported to the ClinVar database as Pathogenic. Loss-of-function variants in NF1 are known to be pathogenic (Fahsold et al., 2000; Sabbagh et al., 2013). For these reasons, this variant has been classified as Pathogenic

Dr. Peter K. Rogan Lab, Western University
No classification provided (evidence only). Condition: Malignant tumor of urinary bladder. Review status: no classification provided. Collection method: in vitro. Allele origin: not applicable. Functional consequence: skipped exon. Not counted in ClinVar's aggregate classification.

Literature cited by the submitters: PubMed 16199547 (cited by Labcorp Genetics (formerly Invitae), Labcorp); PubMed 10712197 (cited by Labcorp Genetics (formerly Invitae), Labcorp); PubMed 23913538 (cited by Labcorp Genetics (formerly Invitae), Labcorp).

NM_001042492.3(NF1):c.6705-1G>T

Gene: NF1 (neurofibromin 1; plus strand). Cytogenetic location: 17q11.2.
Variant type: single nucleotide variant.
Coding change: c.6705-1G>T on transcript NM_001042492.3 (MANE Select); the canonical splice acceptor site of the intron before coding-DNA position 6705, G replaced by T.
Molecular consequence: splice acceptor variant.
Genome position (GRCh38, 1-based): chr17:31,338,024, G>T. VCF-style: chr17-31338024-G-T. GRCh37 (hg19) VCF-style: chr17-29665042-G-T.
Other names: c.6642-1G>T (NM_000267.4).
Identifiers: ClinVar variation 836704 (VCV000836704.9), dbSNP rs1060500356, ClinGen allele CA399013973.
Genomic context (GRCh38, chr17:31,338,024, plus strand): 5'-TATTATTTAGTATATATAAACACAAAGGTTTTTATAAGTTCTGTGGATCTTTTAATTGCA[G>T]ATTTGCATTCCAATATAATCCATCCCTGCAACCAAGAGCTCTTGTTGTCTTTGGGTGTAT-3'